The following is an entry in ClinVar:

ClinVar aggregate classification (germline): Uncertain significance. Review status: criteria provided, multiple submitters, no conflicts (2 of 4 stars). 2 submissions from 2 submitters: Uncertain significance (2). Last evaluated 2025-04-07.

Conditions:
Inborn genetic diseases. Identifiers: MedGen C0950123, MeSH D030342.

gnomAD v4.1: 4 of 1,614,104 alleles (0.00025%); highest among the groups gnomAD compares: Non-Finnish European, 0.00034%; no homozygotes.

Submissions (2):

Labcorp Genetics (formerly Invitae), Labcorp
Classification: Uncertain significance. Last evaluated: 2025-04-07. Review status: criteria provided, single submitter. Criteria: Invitae Variant Classification Sherloc (09022015). Collection method: clinical testing. Allele origin: germline.
Comment: This sequence change replaces leucine, which is neutral and non-polar, with proline, which is neutral and non-polar, at codon 17 of the TWNK protein (p.Leu17Pro). This variant is present in population databases (no rsID available, gnomAD 0.0009%). This variant has not been reported in the literature in individuals affected with TWNK-related conditions. ClinVar contains an entry for this variant (Variation ID: 3185085). Invitae Evidence Modeling of protein sequence and biophysical properties (such as structural, functional, and spatial information, amino acid conservation, physicochemical variation, residue mobility, and thermodynamic stability) indicates that this missense variant is not expected to disrupt TWNK protein function with a negative predictive value of 95%. In summary, the available evidence is currently insufficient to determine the role of this variant in disease. Therefore, it has been classified as a Variant of Uncertain Significance.

Ambry Genetics
Classification: Uncertain significance for Inborn genetic diseases. Last evaluated: 2022-06-28. Review status: criteria provided, single submitter. Criteria: Ambry Variant Classification Scheme 2023. Collection method: clinical testing. Allele origin: germline.

NM_021830.5(TWNK):c.50T>C (p.Leu17Pro)

Gene: TWNK (twinkle mtDNA helicase; plus strand). Cytogenetic location: 10q24.31.
Variant type: single nucleotide variant.
Coding change: c.50T>C on transcript NM_021830.5 (MANE Select); coding-DNA position 50, T replaced by C.
Protein change: p.Leu17Pro; replaces leucine 17 with proline.
Molecular consequence: missense variant. On other transcripts: non-coding transcript variant (4), intron variant (3).
Genome position (GRCh38, 1-based): chr10:100,988,260, T>C. VCF-style: chr10-100988260-T-C. GRCh37 (hg19) VCF-style: chr10-102748017-T-C.
Other names: c.50T>C, p.Leu17Pro (NM_001163812.2); c.-120+647T>C (NM_001163814.2, NM_001163813.2); c.-58+647T>C (NM_001368275.1); short protein forms L17P.
Identifiers: ClinVar variation 3185085 (VCV003185085.2), dbSNP rs761301681, ClinGen allele CA378205804.